The following is an entry in ClinVar:

ClinVar aggregate classification (germline): Uncertain significance (1 of 4 stars; one submission).

Conditions:
Cardiovascular phenotype. Identifiers: MedGen CN230736.

Submission:

Ambry Genetics
Classification: Uncertain significance for Cardiovascular phenotype. Last evaluated: 2026-09-11. Review status: criteria provided, single submitter. Criteria: Ambry Variant Classification Scheme 2023. Collection method: clinical testing. Allele origin: germline.
Comment: The p.P168A variant (also known as c.502C>G), located in coding exon 5 of the APOB gene, results from a C to G substitution at nucleotide position 502. The proline at codon 168 is replaced by alanine, an amino acid with highly similar properties. This amino acid position is conserved. In addition, this alteration is predicted to be tolerated by in silico analysis. Based on the available evidence, the clinical significance of this variant remains unclear.

NM_000384.3(APOB):c.502C>G (p.Pro168Ala)

Gene: APOB (apolipoprotein B; minus strand). Cytogenetic location: 2p24.1.
Variant type: single nucleotide variant.
Coding change: c.502C>G on transcript NM_000384.3 (MANE Select); coding-DNA position 502, C replaced by G.
Protein change: p.Pro168Ala; replaces proline 168 with alanine.
Molecular consequence: missense variant.
Genome position (GRCh38, 1-based): chr2:21,037,993, G>C on the plus strand (C>G on the coding strand, the complement: APOB is on the minus strand). VCF-style: chr2-21037993-G-C. GRCh37 (hg19) VCF-style: chr2-21260865-G-C.
Other names: short protein forms P168A.
Identifiers: ClinVar variation 4862857 (VCV004862857.2).